The following is an entry in ClinVar:

ClinVar aggregate classification (germline): Likely pathogenic (1 of 4 stars; one submission).

Conditions:
Unexplained young onset end-stage renal disease.

Submission:

Genetics Laboratory, Great Ormond Street Hospital NHS Foundation Trust, North Thames Genomic Laboratory Hub
Classification: Likely pathogenic for Unexplained young onset end-stage renal disease. Last evaluated: 2025-10-17. Review status: criteria provided, single submitter. Criteria: ACGS Best Practice Guidelines for Variant Classification in Rare Disease 2024 v1.2. Collection method: clinical testing. Allele origin: germline. Affected: yes.
Comment: PM2_moderate, PVS1_moderate, PM3_supporting, PP4_supporting

NM_001384479.1(AGT):c.1097G>C (p.Arg366Pro)

Gene: AGT (angiotensinogen; minus strand). Cytogenetic location: 1q42.2.
Variant type: single nucleotide variant.
Coding change: c.1097G>C on transcript NM_001384479.1 (MANE Select); coding-DNA position 1097, G replaced by C.
Protein change: p.Arg366Pro; replaces arginine 366 with proline.
Molecular consequence: missense variant.
Genome position (GRCh38, 1-based): chr1:230,705,933, C>G on the plus strand (G>C on the coding strand, the complement: AGT is on the minus strand). VCF-style: chr1-230705933-C-G. GRCh37 (hg19) VCF-style: chr1-230841679-C-G.
Other names: c.1097G>C, p.Arg366Pro (NM_001382817.3); short protein forms R366P.
Identifiers: ClinVar variation 4537511 (VCV004537511.1).
Genomic context (GRCh38, chr1:230,705,933, plus strand): 5'-CCCCAGCCTGGGCAGGACAGTGTGGCTCCCACATTCCAGGGGAGACCGGGAGGCTCCTAC[C>G]GGGGAGATAGTTTCTTCATCCAGTTGAGGGAGTTTTGCTGGAAAGTGAGACCCTCCACCT-3'
Protein context (NP_001371408.1, residues 356-376): SLNWMKKLSP[Arg366Pro]TIHLTMPQLV